The following is an entry in ClinVar:

NM_001267550.2(TTN):c.95961C>T (p.Ala31987=)

Genes: TTN (titin; minus strand), TTN-AS1 (TTN antisense RNA 1; plus strand). Cytogenetic location: 2q31.2.
Variant type: single nucleotide variant.
Coding change: c.95961C>T on transcript NM_001267550.2 (MANE Select); coding-DNA position 95961, C replaced by T.
Protein change: p.Ala31987=; no amino-acid change (alanine 31987 retained).
Molecular consequence: synonymous variant.
Genome position (GRCh38, 1-based): chr2:178,544,268, G>A on the plus strand (C>T on the coding strand, the complement: TTN is on the minus strand). VCF-style: chr2-178544268-G-A. GRCh37 (hg19) VCF-style: chr2-179408995-G-A.
Other names: c.91038C>T, p.Ala30346= (NM_001256850.1); c.68766C>T, p.Ala22922= (NM_003319.4); c.88257C>T, p.Ala29419= (NM_133378.4); c.69141C>T, p.Ala23047= (NM_133432.3); c.69342C>T, p.Ala23114= (NM_133437.4).
Identifiers: ClinVar variation 413061 (VCV000413061.21), dbSNP rs369405564, ClinGen allele CA1986851.

ClinVar aggregate classification (germline): Conflicting classifications of pathogenicity. Review status: criteria provided, conflicting classifications (1 of 4 stars). 6 submissions from 6 submitters: Uncertain significance (1); Likely benign (5). Last evaluated 2026-01-14.

Conditions:
TTN-related disorder. Also called: TTN-related disorders; TTN-related condition; TTN-related disease.
Cardiovascular phenotype. Identifiers: MedGen CN230736.
Autosomal recessive limb-girdle muscular dystrophy type 2J (LGMDR10). Also called: Limb-girdle muscular dystrophy, type 2J; MUSCULAR DYSTROPHY, LIMB-GIRDLE, AUTOSOMAL RECESSIVE 10. Identifiers: Orphanet 140922, MedGen C1837342, MONDO:0012127, OMIM 608807.
Dilated cardiomyopathy 1G (CMD1G). Identifiers: Orphanet 154, MedGen C1858763, MONDO:0011400, OMIM 604145.

Allele frequency attached by ClinVar (database versions not stated): gnomAD exomes 0.00002 and 0.00005; ExAC 0.00007; TOPMed 0.00015; gnomAD 0.00016 and 0.00018; ESP Exome Variant Server 0.00017.
gnomAD v4.1: 58 of 1,613,742 alleles (0.0036%); highest among the groups gnomAD compares: African/African-American, 0.056%; no homozygotes.

Submissions (6):

Labcorp Genetics (formerly Invitae), Labcorp
Classification: Likely benign for Dilated cardiomyopathy 1G; Autosomal recessive limb-girdle muscular dystrophy type 2J. Last evaluated: 2026-01-14. Review status: criteria provided, single submitter. Criteria: Invitae Variant Classification Sherloc (09022015). Collection method: clinical testing. Allele origin: germline.

PreventionGenetics, part of Exact Sciences
Classification: Likely benign for TTN-related condition. Last evaluated: 2025-02-28. Review status: criteria provided, single submitter. Criteria: ACMG Guidelines, 2015. Collection method: clinical testing. Allele origin: germline.
Comment: This variant is classified as likely benign based on ACMG/AMP sequence variant interpretation guidelines (Richards et al. 2015 PMID: 25741868, with internal and published modifications).

Women's Health and Genetics/Laboratory Corporation of America, LabCorp
Classification: Likely benign. Last evaluated: 2023-08-19. Review status: criteria provided, single submitter. Criteria: LabCorp Variant Classification Summary - May 2015. Collection method: clinical testing. Allele origin: germline.

Ambry Genetics
Classification: Likely benign for Cardiovascular phenotype. Last evaluated: 2019-01-14. Review status: criteria provided, single submitter. Criteria: Ambry Variant Classification Scheme 2023. Collection method: clinical testing. Allele origin: germline.

GeneDx
Classification: Likely benign. Last evaluated: 2018-03-07. Review status: criteria provided, single submitter. Criteria: GeneDx Variant Classification (06012015). Collection method: clinical testing. Allele origin: germline. Affected: yes.
Comment: This variant is considered likely benign or benign based on one or more of the following criteria: it is a conservative change, it occurs at a poorly conserved position in the protein, it is predicted to be benign by multiple in silico algorithms, and/or has population frequency not consistent with disease.

Eurofins Ntd Llc (ga)
Classification: Uncertain significance. Last evaluated: 2017-06-06. Review status: criteria provided, single submitter. Criteria: EGL Classification Definitions 2015. Collection method: clinical testing. Allele origin: germline. Observed: 1 variant allele, 1 heterozygote.